The following is an entry in ClinVar:

ClinVar aggregate classification (germline): Benign (1 of 4 stars; one submission).

Allele frequency attached by ClinVar (database versions not stated): gnomAD 0.69914; TOPMed 0.71173; 1000 Genomes Project 0.71765; 1000 Genomes Project 30x 0.71971.
gnomAD v4.1: 106,182 of 152,090 alleles (70%); highest among the groups gnomAD compares: African/African-American, 85%; 37,799 homozygotes.

Submission:

GeneDx
Classification: Benign. Last evaluated: 2018-06-18. Review status: criteria provided, single submitter. Criteria: GeneDx Variant Classification (06012015). Collection method: clinical testing. Allele origin: germline. Affected: yes.
Comment: This variant is considered likely benign or benign based on one or more of the following criteria: it is a conservative change, it occurs at a poorly conserved position in the protein, it is predicted to be benign by multiple in silico algorithms, and/or has population frequency not consistent with disease.

NM_058246.4(DNAJB6):c.65+297T>C

Gene: DNAJB6 (DnaJ heat shock protein family (Hsp40) member B6; plus strand). Cytogenetic location: 7q36.3.
Variant type: single nucleotide variant.
Coding change: c.65+297T>C on transcript NM_058246.4 (MANE Select); 297 bases into the intron after coding-DNA position 65, T replaced by C.
Molecular consequence: intron variant.
Genome position (GRCh38, 1-based): chr7:157,358,934, T>C. VCF-style: chr7-157358934-T-C. GRCh37 (hg19) VCF-style: chr7-157151628-T-C.
Other names: c.65+297T>C (NM_001363676.1, NM_005494.3).
Identifiers: ClinVar variation 668117 (VCV000668117.1), dbSNP rs3802098, ClinGen allele CA15490589.